The following is an entry in ClinVar:

ClinVar aggregate classification (germline): Uncertain significance (1 of 4 stars; one submission).

gnomAD v4.1: 5 of 1,614,120 alleles (0.00031%); highest among the groups gnomAD compares: African/African-American, 0.0067%; no homozygotes.

Submission:

Labcorp Genetics (formerly Invitae), Labcorp
Classification: Uncertain significance. Last evaluated: 2024-09-17. Review status: criteria provided, single submitter. Criteria: Invitae Variant Classification Sherloc (09022015). Collection method: clinical testing. Allele origin: germline.
Comment: This sequence change replaces tryptophan, which is neutral and slightly polar, with serine, which is neutral and polar, at codon 1312 of the SPTB protein (p.Trp1312Ser). This variant is present in population databases (rs140446828, gnomAD 0.007%). This variant has not been reported in the literature in individuals affected with SPTB-related conditions. An algorithm developed to predict the effect of missense changes on protein structure and function (PolyPhen-2) suggests that this variant is likely to be disruptive. In summary, the available evidence is currently insufficient to determine the role of this variant in disease. Therefore, it has been classified as a Variant of Uncertain Significance.

NM_001355436.2(SPTB):c.3935G>C (p.Trp1312Ser)

Gene: SPTB (spectrin beta, erythrocytic; minus strand). Cytogenetic location: 14q23.3.
Variant type: single nucleotide variant.
Coding change: c.3935G>C on transcript NM_001355436.2 (MANE Select); coding-DNA position 3935, G replaced by C.
Protein change: p.Trp1312Ser; replaces tryptophan 1312 with serine.
Molecular consequence: missense variant.
Genome position (GRCh38, 1-based): chr14:64,784,314, C>G on the plus strand (G>C on the coding strand, the complement: SPTB is on the minus strand). VCF-style: chr14-64784314-C-G. GRCh37 (hg19) VCF-style: chr14-65251032-C-G.
Other names: c.3935G>C, p.Trp1312Ser (NM_001355437.2, NM_001024858.4); short protein forms W1312S.
Identifiers: ClinVar variation 3666777 (VCV003666777.2).